The following is an entry in ClinVar:

ClinVar aggregate classification (germline): Uncertain significance (1 of 4 stars; one submission).

Submission:

Dasa
Classification: Uncertain significance. Last evaluated: 2025-09-18. Review status: criteria provided, single submitter. Criteria: DASA Assertion Criteria. Collection method: clinical testing. Allele origin: germline.
Comment: NM_001386298.1(CIC):c.5777T>C (p.Leu1926Pro) is a missense variant that results in the substitution of leucine with proline. This variant is absent from population databases. Computational prediction algorithms are consistent with a benign effect. The currently available literature and clinical evidence are not sufficient to establish a definitive association between this variant and the reported condition. Therefore, this variant is classified as a variant of uncertain significance.

NM_001386298.1(CIC):c.5777T>C (p.Leu1926Pro)

Gene: CIC (capicua transcriptional repressor; plus strand). Cytogenetic location: 19q13.2.
Variant type: single nucleotide variant.
Coding change: c.5777T>C on transcript NM_001386298.1 (MANE Select); coding-DNA position 5777, T replaced by C.
Protein change: p.Leu1926Pro; replaces leucine 1926 with proline.
Molecular consequence: missense variant.
Genome position (GRCh38, 1-based): chr19:42,292,341, T>C. VCF-style: chr19-42292341-T-C. GRCh37 (hg19) VCF-style: chr19-42796493-T-C.
Other names: c.3050T>C, p.Leu1017Pro (NM_001439190.1, NM_001439191.1, NM_015125.5 and 3 more transcripts); c.5777T>C, p.Leu1926Pro (NM_001304815.2, NM_001379480.1, NM_001379482.1 and 6 more transcripts); short protein forms L1017P, L1926P.
Identifiers: ClinVar variation 4886121 (VCV004886121.2).
Genomic context (GRCh38, chr19:42,292,341, plus strand): 5'-ATTTCCTCTCCTGCGGCAGAATCACCTATGTGCAGTCAGCGGGCGGGCACGCGCTGCCCC[T>C]GGGTACCAGCCCTGCGTCCAGCCAGGCTGGAACAGTCACCTCGTACGGGCCCACGAGCTC-3'
Protein context (NP_001373227.1, residues 1916-1936): VQSAGGHALP[Leu1926Pro]GTSPASSQAG